The following is an entry in ClinVar:

ClinVar aggregate classification (germline): Uncertain significance (1 of 4 stars; one submission).

Conditions:
Long QT syndrome (LQTS). Identifiers: MedGen C0023976, MeSH D008133, MONDO:0002442. Disease mechanism: loss of function. Inheritance: Various modes of inheritance.

Allele frequency attached by ClinVar (database versions not stated): gnomAD exomes below 0.00001; ExAC 0.00001; gnomAD 0.00001; TOPMed 0.00001.

Submission:

Labcorp Genetics (formerly Invitae), Labcorp
Classification: Uncertain significance for Long QT syndrome. Last evaluated: 2022-10-13. Review status: criteria provided, single submitter. Criteria: Invitae Variant Classification Sherloc (09022015). Collection method: clinical testing. Allele origin: germline.
Comment: This sequence change replaces alanine, which is neutral and non-polar, with threonine, which is neutral and polar, at codon 261 of the SNTA1 protein (p.Ala261Thr). This variant is present in population databases (rs769159253, gnomAD 0.0009%). This variant has not been reported in the literature in individuals affected with SNTA1-related conditions. Advanced modeling of protein sequence and biophysical properties (such as structural, functional, and spatial information, amino acid conservation, physicochemical variation, residue mobility, and thermodynamic stability) performed at Invitae indicates that this missense variant is not expected to disrupt SNTA1 protein function. In summary, the available evidence is currently insufficient to determine the role of this variant in disease. Therefore, it has been classified as a Variant of Uncertain Significance.

NM_003098.3(SNTA1):c.781G>A (p.Ala261Thr)

Gene: SNTA1 (syntrophin alpha 1; minus strand). Cytogenetic location: 20q11.21.
Variant type: single nucleotide variant.
Coding change: c.781G>A on transcript NM_003098.3 (MANE Select); coding-DNA position 781, G replaced by A.
Protein change: p.Ala261Thr; replaces alanine 261 with threonine.
Molecular consequence: missense variant.
Genome position (GRCh38, 1-based): chr20:33,412,703, C>T on the plus strand (G>A on the coding strand, the complement: SNTA1 is on the minus strand). VCF-style: chr20-33412703-C-T. GRCh37 (hg19) VCF-style: chr20-32000509-C-T.
Other names: short protein forms A261T.
Identifiers: ClinVar variation 1992204 (VCV001992204.4), dbSNP rs769159253, ClinGen allele CA9817147.